The following is an entry in ClinVar:

ClinVar aggregate classification (germline): Likely benign (1 of 4 stars; one submission).

Conditions:
Colorectal cancer, susceptibility to, 1. Also called: COLORECTAL ADENOMA AND CANCER, SUSCEPTIBILITY TO; COLORECTAL CANCER, SUSCEPTIBILITY TO, ON CHROMOSOME 9. Identifiers: MedGen C1837315, MONDO:0012132, OMIM 608812.

gnomAD v4.1: 1 of 1,614,176 alleles (0.000062%); highest among the groups gnomAD compares: Non-Finnish European, 0.000085%; no homozygotes.

Submission:

Myriad Genetics, Inc.
Classification: Likely benign for Colorectal cancer, susceptibility to, 1. Last evaluated: 2026-04-21. Review status: criteria provided, single submitter. Criteria: Myriad Autosomal Dominant, Autosomal Recessive and X-Linked Classification Criteria (2023). Collection method: clinical testing. Allele origin: unknown.
Comment: This variant is considered likely benign. This variant is intronic and is not expected to impact mRNA splicing.

NM_024642.5(GALNT12):c.732-7C>T

Gene: GALNT12 (polypeptide N-acetylgalactosaminyltransferase 12; plus strand). Cytogenetic location: 9q22.33.
Variant type: single nucleotide variant.
Coding change: c.732-7C>T on transcript NM_024642.5 (MANE Select); 7 bases into the intron before coding-DNA position 732, C replaced by T.
Molecular consequence: intron variant.
Genome position (GRCh38, 1-based): chr9:98,831,765, C>T. VCF-style: chr9-98831765-C-T. GRCh37 (hg19) VCF-style: chr9-101594047-C-T.
Identifiers: ClinVar variation 4876200 (VCV004876200.1).
Genomic context (GRCh38, chr9:98,831,765, plus strand): 5'-TTTCCCAATTGTCTTCCTGCTGCCCGTCTGCATAGGAGAGACGGATGGATGTCTTGGGTG[C>T]TTTCAGGATCCATGAAGAGGAGTCGGCAGTGGTGTGCCCGGTGATTGATGTGATCGACTG-3'